The following is an entry in ClinVar:

ClinVar aggregate classification (germline): Uncertain significance (1 of 4 stars; one submission).

Allele frequency attached by ClinVar (database versions not stated): gnomAD exomes below 0.00001; TOPMed below 0.00001; gnomAD 0.00001.
gnomAD v4.1: 3 of 1,614,026 alleles (0.00019%); highest among the groups gnomAD compares: Non-Finnish European, 0.00025%; no homozygotes.

Submission:

Women's Health and Genetics/Laboratory Corporation of America, LabCorp
Classification: Uncertain significance. Last evaluated: 2024-02-19. Review status: criteria provided, single submitter. Criteria: LabCorp Variant Classification Summary - May 2015. Collection method: clinical testing. Allele origin: germline.
Comment: Variant summary: CACNA1D c.4568T>G (p.Leu1523Arg) results in a non-conservative amino acid change in the Voltage-dependent L-type calcium channel, IQ-associated domain (IPR0316490) of the encoded protein sequence. Four of five in-silico tools predict a damaging effect of the variant on protein function. The variant allele was found at a frequency of 4e-06 in 251440 control chromosomes. The available data on variant occurrences in the general population are insufficient to allow any conclusion about variant significance. To our knowledge, no occurrence of c.4568T>G in individuals affected with Sinoatrial Node Dysfunction And Deafness and no experimental evidence demonstrating its impact on protein function have been reported. No submitters have cited clinical-significance assessments for this variant to ClinVar. Based on the evidence outlined above, the variant was classified as uncertain significance.

NM_001128840.3(CACNA1D):c.4508T>G (p.Leu1503Arg)

Gene: CACNA1D (calcium voltage-gated channel subunit alpha1 D; plus strand). Cytogenetic location: 3p21.1.
Variant type: single nucleotide variant.
Coding change: c.4508T>G on transcript NM_001128840.3 (MANE Select); coding-DNA position 4508, T replaced by G.
Protein change: p.Leu1503Arg; replaces leucine 1503 with arginine.
Molecular consequence: missense variant.
Genome position (GRCh38, 1-based): chr3:53,776,877, T>G. VCF-style: chr3-53776877-T-G. GRCh37 (hg19) VCF-style: chr3-53810904-T-G.
Other names: c.4568T>G, p.Leu1523Arg (NM_000720.4); c.4463T>G, p.Leu1488Arg (NM_001128839.3); short protein forms L1488R, L1503R, L1523R.
Identifiers: ClinVar variation 3068900 (VCV003068900.2), dbSNP rs1374954781, ClinGen allele CA353243823.